The following is an entry in ClinVar:

NM_021922.3(FANCE):c.463C>G (p.Pro155Ala)

Gene: FANCE (FA complementation group E; plus strand). Cytogenetic location: 6p21.31.
Variant type: single nucleotide variant.
Coding change: c.463C>G on transcript NM_021922.3 (MANE Select); coding-DNA position 463, C replaced by G.
Protein change: p.Pro155Ala; replaces proline 155 with alanine.
Molecular consequence: missense variant.
Genome position (GRCh38, 1-based): chr6:35,455,961, C>G. VCF-style: chr6-35455961-C-G. GRCh37 (hg19) VCF-style: chr6-35423738-C-G.
Other names: short protein forms P155A.
Identifiers: ClinVar variation 1397552 (VCV001397552.8), dbSNP rs2150890589, ClinGen allele CA363772958.

ClinVar aggregate classification (germline): Uncertain significance (1 of 4 stars; one submission).

Conditions:
Fanconi anemia complementation group E (FANCE). Also called: FANCE-Related Fanconi Anemia. Identifiers: Orphanet 84, MedGen C3160739, MONDO:0010953, OMIM 600901.

gnomAD v4.1: 1 of 1,613,832 alleles (0.000062%); highest among the groups gnomAD compares: East Asian, 0.0022%; no homozygotes.

Submission:

Labcorp Genetics (formerly Invitae), Labcorp
Classification: Uncertain significance for Fanconi anemia complementation group E. Last evaluated: 2020-12-16. Review status: criteria provided, single submitter. Criteria: Invitae Variant Classification Sherloc (09022015). Collection method: clinical testing. Allele origin: germline.
Comment: In summary, the available evidence is currently insufficient to determine the role of this variant in disease. Therefore, it has been classified as a Variant of Uncertain Significance. Algorithms developed to predict the effect of missense changes on protein structure and function (SIFT, PolyPhen-2, Align-GVGD) all suggest that this variant is likely to be tolerated, but these predictions have not been confirmed by published functional studies and their clinical significance is uncertain. This variant has not been reported in the literature in individuals with FANCE-related conditions. This variant is not present in population databases (ExAC no frequency). This sequence change replaces proline with alanine at codon 155 of the FANCE protein (p.Pro155Ala). The proline residue is moderately conserved and there is a small physicochemical difference between proline and alanine.